The following is an entry in ClinVar:

ClinVar aggregate classification (germline): Pathogenic (1 of 4 stars; one submission).

Submission:

CeGaT Center for Human Genetics Tuebingen
Classification: Pathogenic. Last evaluated: 2022-09-01. Review status: criteria provided, single submitter. Criteria: CeGaT Center For Human Genetics Tuebingen Variant Classification Criteria Version 2. Collection method: clinical testing. Allele origin: germline. Affected: yes. Observed: 1 variant allele.
Comment: ACVRL1: PVS1, PM2

NM_000020.3(ACVRL1):c.880del (p.Leu294fs)

Gene: ACVRL1 (activin A receptor like type 1; plus strand). Cytogenetic location: 12q13.13.
Variant type: Deletion.
Coding change: c.880del on transcript NM_000020.3 (MANE Select); coding-DNA position 880, one base deleted (C; older notation c.880delC).
Protein change: p.Leu294fs; shifts the reading frame from leucine 294.
Molecular consequence: frameshift variant.
Genome position (GRCh38, 1-based): chr12:51,915,332, C deleted. VCF-style (leftmost placement, unchanged base first): chr12-51915331-GC-G. GRCh37 (hg19) VCF-style: chr12-52309115-GC-G.
Other names: c.880del, p.Leu294fs (NM_001077401.2); c.880delC, p.Leu294Trpfs (NM_001406487.1, NM_001406488.1, NM_001406489.1); c.568delC, p.Leu190Trpfs (NM_001406490.1, NM_001406491.1, NM_001406492.1 and 2 more transcripts); c.316delC, p.Leu106Trpfs (NM_001406495.1); short protein forms L294fs.
Identifiers: ClinVar variation 1711342 (VCV001711342.30), dbSNP rs2540164351, ClinGen allele CA2580086480.
Genomic context (GRCh38, chr12:51,915,331, plus strand): 5'-GTGGCTCATCACGCACTACCACGAGCACGGCTCCCTCTACGACTTTCTGCAGAGACAGAC[GC>G]TGGAGCCCCATCTGGCTCTGAGGCTAGCTGTGTCCGCGGCATGCGGCCTGGCGCACCTGC-3'